The following is an entry in ClinVar:

ClinVar aggregate classification (germline): Pathogenic (0 of 4 stars; one submission).

Submission:

GenMed Metabolism Lab
Classification: Pathogenic. Review status: no assertion criteria provided. Collection method: not provided. Allele origin: unknown.
Comment: Neonatal, Donor splice site error
ClinVar note: Converted during submission from pathogenic to Pathogenic.

NM_000531.6(OTC):c.540+2T>A

Gene: OTC (ornithine transcarbamylase; plus strand). Cytogenetic location: Xp11.4.
Variant type: single nucleotide variant.
Coding change: c.540+2T>A on transcript NM_000531.6 (MANE Select); the canonical splice donor site of the intron after coding-DNA position 540, T replaced by A.
Molecular consequence: splice donor variant.
Genome position (GRCh38, 1-based): chrX:38,401,430, T>A. VCF-style: chrX-38401430-T-A. GRCh37 (hg19) VCF-style: chrX-38260683-T-A.
Other names: c.540+2T>A (NM_001407092.1).
Identifiers: ClinVar variation 97241 (VCV000097241.2), dbSNP rs67367843, ClinGen allele CA224673.